The following is an entry in ClinVar:

ClinVar aggregate classification (germline): Benign/Likely benign. Review status: criteria provided, multiple submitters, no conflicts (2 of 4 stars). 3 submissions from 3 submitters: Benign (1); Likely benign (1). 1 of the submissions does not count toward it. Last evaluated 2025-11-15.

Conditions:
LHB-related disorder. Also called: LHB-related condition.

Allele frequency attached by ClinVar (database versions not stated): gnomAD exomes 0.00025; ESP Exome Variant Server 0.00046; ExAC 0.00047; gnomAD 0.00070; TOPMed 0.00088; 1000 Genomes Project 30x 0.00094; 1000 Genomes Project 0.00100.
gnomAD v4.1: 475 of 1,612,404 alleles (0.029%); highest among the groups gnomAD compares: East Asian, 0.21%; no homozygotes.

Submissions (3):

Labcorp Genetics (formerly Invitae), Labcorp
Classification: Benign. Last evaluated: 2025-11-15. Review status: criteria provided, single submitter. Criteria: Invitae Variant Classification Sherloc (09022015). Collection method: clinical testing. Allele origin: germline.

Blueprint Genetics
Classification: Likely benign. Last evaluated: 2024-11-11. Review status: criteria provided, single submitter. Criteria: ACMG Guidelines, 2015. Collection method: clinical testing. Allele origin: germline.

PreventionGenetics, part of Exact Sciences
Classification: Likely benign for LHB-related condition. Last evaluated: 2019-06-14. Review status: no assertion criteria provided. Collection method: clinical testing. Allele origin: germline. Not counted in ClinVar's aggregate classification.
Comment: This variant is classified as likely benign based on ACMG/AMP sequence variant interpretation guidelines (Richards et al. 2015 PMID: 25741868, with internal and published modifications).

NM_000894.3(LHB):c.240T>C (p.Arg80=)

Gene: LHB (luteinizing hormone subunit beta; minus strand). Cytogenetic location: 19q13.33.
Variant type: single nucleotide variant.
Coding change: c.240T>C on transcript NM_000894.3 (MANE Select); coding-DNA position 240, T replaced by C.
Protein change: p.Arg80=; no amino-acid change (arginine 80 retained).
Molecular consequence: synonymous variant.
Genome position (GRCh38, 1-based): chr19:49,016,254, A>G on the plus strand (T>C on the coding strand, the complement: LHB is on the minus strand). VCF-style: chr19-49016254-A-G. GRCh37 (hg19) VCF-style: chr19-49519511-A-G.
Other names: c.240T>C (NM_000894.2).
Identifiers: ClinVar variation 2712219 (VCV002712219.6), dbSNP rs147247585, ClinGen allele CA9564318.
Genomic context (GRCh38, chr19:49,016,254, plus strand): 5'-GACCACGGGGTCCACACCACGCGGGCAGCCAGGGAGCCGGATGGACTCGAAGCGCACATC[A>G]CGGTAGGTGCACACCACCTGAGGCAGGGGCGGCAGGACCGCCTGCAGCACGCGCATCTGG-3'
Protein context (NP_000885.1, residues 70-90): PPLPQVVCTY[Arg80=]DVRFESIRLP